The following is an entry in ClinVar:

NM_001276270.2(MBD4):c.1206G>A (p.Gln402=)

Gene: MBD4 (methyl-CpG binding domain 4, DNA glycosylase; minus strand). Cytogenetic location: 3q21.3.
Variant type: single nucleotide variant.
Coding change: c.1206G>A on transcript NM_001276270.2 (MANE Select); coding-DNA position 1206, G replaced by A.
Protein change: p.Gln402=; no amino-acid change (glutamine 402 retained).
Molecular consequence: synonymous variant.
Genome position (GRCh38, 1-based): chr3:129,434,114, C>T on the plus strand (G>A on the coding strand, the complement: MBD4 is on the minus strand). VCF-style: chr3-129434114-C-T. GRCh37 (hg19) VCF-style: chr3-129152957-C-T.
Other names: c.1224G>A, p.Gln408= (NM_003925.3, NM_001276271.2, NM_001276272.2); c.270G>A, p.Gln90= (NM_001276273.2).
Identifiers: ClinVar variation 2891059 (VCV002891059.5), dbSNP rs3138351, ClinGen allele CA2605378.
Genomic context (GRCh38, chr3:129,434,114, plus strand): 5'-AGGGATACCTTCTTTGTTATATTTGCTGGAAAAATACAGGCTTGTTTTCCTTCTTTCTAT[C>T]TGTGTTCGTGGGATGGTATCTTCTGAAAAGGAAAAGTAAACACTTTATGGAGTCTATGGT-3'
Protein context (NP_001263199.1, residues 392-412): DFTEDTIPRT[Gln402=]IERRKTSLYF

ClinVar aggregate classification (germline): Benign/Likely benign. Review status: criteria provided, multiple submitters, no conflicts (2 of 4 stars). 3 submissions from 3 submitters: Benign (1); Likely benign (2). Last evaluated 2026-06-11.

Conditions:
Inborn genetic diseases. Identifiers: MedGen C0950123, MeSH D030342.
Tumor predisposition syndrome 2 (TPDS2). Also called: MBD4-ASSOCIATED NEOPLASIA SYNDROME; MBD4-Related Tumor Predisposition Syndrome; MBD4-associated neoplasia syndrome (MANS). Identifiers: Orphanet 661526, MedGen C5774186, MONDO:0859267, OMIM 619975.

Allele frequency attached by ClinVar (database versions not stated): TOPMed below 0.00001; gnomAD 0.00003; gnomAD exomes 0.00004; 1000 Genomes Project 30x 0.00016; ExAC 0.00018; 1000 Genomes Project 0.00020.

Submissions (3):

Myriad Genetics, Inc.
Classification: Benign for Tumor predisposition syndrome 2. Last evaluated: 2026-06-11. Review status: criteria provided, single submitter. Criteria: Myriad Autosomal Dominant, Autosomal Recessive and X-Linked Classification Criteria (2023). Collection method: clinical testing. Allele origin: unknown.
Comment: This variant is considered benign. This variant is a silent/synonymous amino acid change and it is not expected to impact splicing.

Labcorp Genetics (formerly Invitae), Labcorp
Classification: Likely benign. Last evaluated: 2026-01-26. Review status: criteria provided, single submitter. Criteria: Invitae Variant Classification Sherloc (09022015). Collection method: clinical testing. Allele origin: germline.

Ambry Genetics
Classification: Likely benign for Inborn genetic diseases. Last evaluated: 2025-01-31. Review status: criteria provided, single submitter. Criteria: Ambry Variant Classification Scheme 2023. Collection method: clinical testing. Allele origin: germline.